The following is an entry in ClinVar:

NM_173689.7(CRB2):c.3125C>T (p.Ala1042Val)

Gene: CRB2 (crumbs cell polarity complex component 2; plus strand). Cytogenetic location: 9q33.3.
Variant type: single nucleotide variant.
Coding change: c.3125C>T on transcript NM_173689.7 (MANE Select); coding-DNA position 3125, C replaced by T.
Protein change: p.Ala1042Val; replaces alanine 1042 with valine.
Molecular consequence: missense variant. On other transcripts: non-coding transcript variant (1).
Genome position (GRCh38, 1-based): chr9:123,373,656, C>T. VCF-style: chr9-123373656-C-T. GRCh37 (hg19) VCF-style: chr9-126135935-C-T.
Other names: p.Ala1042Val; short protein forms A1042V.
Identifiers: ClinVar variation 3379895 (VCV003379895.1).

ClinVar aggregate classification (germline): Uncertain significance (1 of 4 stars; one submission).

gnomAD v4.1: 12 of 1,423,510 alleles (0.00084%); highest among the groups gnomAD compares: African/African-American, 0.003%; no homozygotes.

Submission:

Mayo Clinic Laboratories, Mayo Clinic
Classification: Uncertain significance. Last evaluated: 2024-01-02. Review status: criteria provided, single submitter. Criteria: ACMG Guidelines, 2015. Collection method: clinical testing. Allele origin: germline. Observed: 1 variant allele.
Comment: BP4